The following is an entry in ClinVar:

NM_000179.3(MSH6):c.3814G>C (p.Glu1272Gln)

Gene: MSH6 (mutS homolog 6; plus strand). Cytogenetic location: 2p16.3.
Variant type: single nucleotide variant.
Coding change: c.3814G>C on transcript NM_000179.3 (MANE Select); coding-DNA position 3814, G replaced by C.
Protein change: p.Glu1272Gln; replaces glutamic acid 1272 with glutamine.
Molecular consequence: missense variant.
Genome position (GRCh38, 1-based): chr2:47,806,464, G>C. VCF-style: chr2-47806464-G-C. GRCh37 (hg19) VCF-style: chr2-48033603-G-C.
Other names: c.3424G>C, p.Glu1142Gln (NM_001281492.2); c.2908G>C, p.Glu970Gln (NM_001281493.2, NM_001281494.2); c.3814G>C (NM_000179.2); short protein forms E1142Q, E1272Q, E970Q.
Identifiers: ClinVar variation 1448465 (VCV001448465.9), dbSNP rs2104552027, ClinGen allele CA346761234.

ClinVar aggregate classification (germline): Uncertain significance. Review status: criteria provided, multiple submitters, no conflicts (2 of 4 stars). 2 submissions from 2 submitters: Uncertain significance (2). Last evaluated 2024-10-06.

Conditions:
Hereditary cancer-predisposing syndrome. Also called: Hereditary Cancer Syndrome; Hereditary neoplastic syndrome; Neoplastic Syndromes, Hereditary; Tumor predisposition. Identifiers: Orphanet 140162, MedGen C0027672, MeSH D009386, MONDO:0015356.
Hereditary nonpolyposis colorectal neoplasms. Identifiers: MedGen C0009405, MeSH D003123.

Submissions (2):

Ambry Genetics
Classification: Uncertain significance for Hereditary cancer-predisposing syndrome. Last evaluated: 2024-10-06. Review status: criteria provided, single submitter. Criteria: Ambry Variant Classification Scheme 2023. Collection method: clinical testing. Allele origin: germline.
Comment: The p.E1272Q variant (also known as c.3814G>C), located in coding exon 9 of the MSH6 gene, results from a G to C substitution at nucleotide position 3814. The glutamic acid at codon 1272 is replaced by glutamine, an amino acid with highly similar properties. This amino acid position is conserved. In addition, this alteration is predicted to be deleterious by in silico analysis. Based on the available evidence, the clinical significance of this variant remains unclear.

Labcorp Genetics (formerly Invitae), Labcorp
Classification: Uncertain significance for Hereditary nonpolyposis colorectal neoplasms. Last evaluated: 2023-04-14. Review status: criteria provided, single submitter. Criteria: Invitae Variant Classification Sherloc (09022015). Collection method: clinical testing. Allele origin: germline.
Comment: Advanced modeling of protein sequence and biophysical properties (such as structural, functional, and spatial information, amino acid conservation, physicochemical variation, residue mobility, and thermodynamic stability) performed at Invitae indicates that this missense variant is not expected to disrupt MSH6 protein function. In summary, the available evidence is currently insufficient to determine the role of this variant in disease. Therefore, it has been classified as a Variant of Uncertain Significance. ClinVar contains an entry for this variant (Variation ID: 1448465). This sequence change replaces glutamic acid, which is acidic and polar, with glutamine, which is neutral and polar, at codon 1272 of the MSH6 protein (p.Glu1272Gln). This variant is not present in population databases (gnomAD no frequency). This variant has not been reported in the literature in individuals affected with MSH6-related conditions.